The following is an entry in ClinVar:

ClinVar aggregate classification (germline): Likely benign. Review status: criteria provided, multiple submitters, no conflicts (2 of 4 stars). 2 submissions from 2 submitters: Likely benign (2). Last evaluated 2019-07-11.

Conditions:
Inborn genetic diseases. Identifiers: MedGen C0950123, MeSH D030342.

gnomAD v4.1: 3 of 1,592,544 alleles (0.00019%); highest among the groups gnomAD compares: Middle Eastern, 0.033%; no homozygotes.

Submissions (2):

Ambry Genetics
Classification: Likely benign for Inborn genetic diseases. Last evaluated: 2019-07-11. Review status: criteria provided, single submitter. Criteria: Ambry Variant Classification Scheme 2023. Collection method: clinical testing. Allele origin: germline.

GeneDx
Classification: Likely benign. Last evaluated: 2017-04-13. Review status: criteria provided, single submitter. Criteria: GeneDx Variant Classification (06012015). Collection method: clinical testing. Allele origin: germline. Affected: yes.
Comment: This variant is considered likely benign or benign based on one or more of the following criteria: it is a conservative change, it occurs at a poorly conserved position in the protein, it is predicted to be benign by multiple in silico algorithms, and/or has population frequency not consistent with disease.

NM_022489.4(INF2):c.2331C>A (p.Ala777=)

Gene: INF2 (inverted formin 2; plus strand). Cytogenetic location: 14q32.33.
Variant type: single nucleotide variant.
Coding change: c.2331C>A on transcript NM_022489.4 (MANE Select); coding-DNA position 2331, C replaced by A.
Protein change: p.Ala777=; no amino-acid change (alanine 777 retained).
Molecular consequence: synonymous variant.
Genome position (GRCh38, 1-based): chr14:104,711,099, C>A. VCF-style: chr14-104711099-C-A. GRCh37 (hg19) VCF-style: chr14-105177436-C-A.
Other names: c.2331C>A, p.Ala777= (NM_001031714.4).
Identifiers: ClinVar variation 508886 (VCV000508886.3), dbSNP rs1293312025, ClinGen allele CA488446638.
Genomic context (GRCh38, chr14:104,711,099, plus strand): 5'-GTGCCAGGGGCTGGTGAGACTCACTCCCTGCCCCTCCCAGGGCAGCCACACCGGTGACGC[C>A]GACGGCTTCAAGATCAGCACATTGCTGAAGCTCACGGAGACCAAGTCCCAGCAGAACCGC-3'
Protein context (NP_071934.3, residues 767-787): FLNYGSHTGD[Ala777=]DGFKISTLLK